The following is an entry in ClinVar:

NM_144701.3(IL23R):c.807A>T (p.Glu269Asp)

Gene: IL23R (interleukin 23 receptor; plus strand). Cytogenetic location: 1p31.3.
Variant type: single nucleotide variant.
Coding change: c.807A>T on transcript NM_144701.3 (MANE Select); coding-DNA position 807, A replaced by T.
Protein change: p.Glu269Asp; replaces glutamic acid 269 with aspartic acid.
Molecular consequence: missense variant.
Genome position (GRCh38, 1-based): chr1:67,219,582, A>T. VCF-style: chr1-67219582-A-T. GRCh37 (hg19) VCF-style: chr1-67685265-A-T.
Other names: short protein forms E269D.
Identifiers: ClinVar variation 3643159 (VCV003643159.2).

ClinVar aggregate classification (germline): Uncertain significance (1 of 4 stars; one submission).

Submission:

Labcorp Genetics (formerly Invitae), Labcorp
Classification: Uncertain significance. Last evaluated: 2024-02-24. Review status: criteria provided, single submitter. Criteria: Invitae Variant Classification Sherloc (09022015). Collection method: clinical testing. Allele origin: germline.
Comment: This sequence change replaces glutamic acid, which is acidic and polar, with aspartic acid, which is acidic and polar, at codon 269 of the IL23R protein (p.Glu269Asp). This variant is not present in population databases (gnomAD no frequency). This variant has not been reported in the literature in individuals affected with IL23R-related conditions. An algorithm developed to predict the effect of missense changes on protein structure and function (PolyPhen-2) suggests that this variant is likely to be tolerated. In summary, the available evidence is currently insufficient to determine the role of this variant in disease. Therefore, it has been classified as a Variant of Uncertain Significance.